The following is an entry in ClinVar:

NM_000702.4(ATP1A2):c.2072C>T (p.Ser691Phe)

Gene: ATP1A2 (ATPase Na+/K+ transporting subunit alpha 2; plus strand). Cytogenetic location: 1q23.2.
Variant type: single nucleotide variant.
Coding change: c.2072C>T on transcript NM_000702.4 (MANE Select); coding-DNA position 2072, C replaced by T.
Protein change: p.Ser691Phe; replaces serine 691 with phenylalanine.
Molecular consequence: missense variant.
Genome position (GRCh38, 1-based): chr1:160,135,252, C>T. VCF-style: chr1-160135252-C-T. GRCh37 (hg19) VCF-style: chr1-160105042-C-T.
Other names: short protein forms S691F.
Identifiers: ClinVar variation 2498437 (VCV002498437.28), dbSNP rs2524886291, ClinGen allele CA343248682.
Genomic context (GRCh38, chr1:160,135,252, plus strand): 5'-CATCGGAGCAGCTCGATGAGATCCTCAAGAACCACACAGAGATCGTCTTTGCTCGAACGT[C>T]TCCCCAGCAGAAGCTCATCATTGTGGAGGGATGTCAGAGGCAGGTGAGCACAGCCACGGG-3'
Protein context (NP_000693.1, residues 681-701): NHTEIVFART[Ser691Phe]PQQKLIIVEG

ClinVar aggregate classification (germline): Likely pathogenic (1 of 4 stars; one submission).

Submission:

CeGaT Center for Human Genetics Tuebingen
Classification: Likely pathogenic. Last evaluated: 2023-03-01. Review status: criteria provided, single submitter. Criteria: CeGaT Center For Human Genetics Tuebingen Variant Classification Criteria Version 2. Collection method: clinical testing. Allele origin: germline. Affected: yes. Observed: 1 variant allele.
Comment: ATP1A2: PS2, PM2, PP2, PP3, PP4